The following is an entry in ClinVar:

NM_001377.3(DYNC2H1):c.7079del (p.Asp2360fs)

Gene: DYNC2H1 (dynein cytoplasmic 2 heavy chain 1; plus strand). Cytogenetic location: 11q22.3.
Variant type: Deletion.
Coding change: c.7079del on transcript NM_001377.3 (MANE Select); coding-DNA position 7079, one base deleted (A; older notation c.7079delA).
Protein change: p.Asp2360fs; shifts the reading frame from aspartic acid 2360.
Molecular consequence: frameshift variant.
Genome position (GRCh38, 1-based): chr11:103,187,525, A deleted. VCF-style (leftmost placement, unchanged base first): chr11-103187524-GA-G. GRCh37 (hg19) VCF-style: chr11-103058253-GA-G.
Other names: c.7079del, p.Asp2360fs (NM_001080463.2); short protein forms D2360fs.
Identifiers: ClinVar variation 2719699 (VCV002719699.3), dbSNP rs1370785518, ClinGen allele CA670946434.

ClinVar aggregate classification (germline): Pathogenic (1 of 4 stars; one submission).

Conditions:
Jeune thoracic dystrophy. Also called: Jeune syndrome; Infantile thoracic dystrophy; Thoracic pelvic phalangeal dystrophy; Jeune's syndrome; Chondroectodermal dysplasia-like syndrome; Short-rib thoracic dysplasia. Identifiers: Orphanet 474, MedGen C0265275, MONDO:0018770.

Allele frequency attached by ClinVar (database versions not stated): TOPMed below 0.00001; gnomAD 0.00001.

Submission:

Labcorp Genetics (formerly Invitae), Labcorp
Classification: Pathogenic for Jeune thoracic dystrophy. Last evaluated: 2024-01-31. Review status: criteria provided, single submitter. Criteria: Invitae Variant Classification Sherloc (09022015). Collection method: clinical testing. Allele origin: germline.
Comment: This sequence change creates a premature translational stop signal (p.Asp2360Valfs*16) in the DYNC2H1 gene. It is expected to result in an absent or disrupted protein product. Loss-of-function variants in DYNC2H1 are known to be pathogenic (PMID: 23339108, 32753734, 33755199). This variant is not present in population databases (gnomAD no frequency). This variant has not been reported in the literature in individuals affected with DYNC2H1-related conditions. Algorithms developed to predict the effect of sequence changes on RNA splicing suggest that this variant may disrupt the consensus splice site. For these reasons, this variant has been classified as Pathogenic.

Literature cited by the submitters: PubMed 23339108; PubMed 32753734; PubMed 33755199.